The following is an entry in ClinVar:

NM_000277.3(PAH):c.920G>A (p.Gly307Asp)

Gene: PAH (phenylalanine hydroxylase; minus strand). Cytogenetic location: 12q23.2.
Variant type: single nucleotide variant.
Coding change: c.920G>A on transcript NM_000277.3 (MANE Select); coding-DNA position 920, G replaced by A.
Protein change: p.Gly307Asp; replaces glycine 307 with aspartic acid.
Molecular consequence: missense variant.
Genome position (GRCh38, 1-based): chr12:102,846,944, C>T on the plus strand (G>A on the coding strand, the complement: PAH is on the minus strand). VCF-style: chr12-102846944-C-T. GRCh37 (hg19) VCF-style: chr12-103240722-C-T.
Other names: NM_001354304.2:c.920G>A; c.920G>A, p.Gly307Asp (NM_001354304.2); short protein forms G307D.
Identifiers: ClinVar variation 1693235 (VCV001693235.4), dbSNP rs2136639683, ClinGen allele CA16020898.
Genomic context (GRCh38, chr12:102,846,944, plus strand): 5'-AAGGGACTTACTGTGGCGAGCTTTTCAATGTATTCATCAGGTGCACCCAGAGAGGCAAGG[C>T]CAATTTCCTGTAATTGGGGGAAAATAGAACCTGTTCTGTTCCTGTAATTGGAACCACAGA-3'
Protein context (NP_000268.1, residues 297-317): RSFAQFSQEI[Gly307Asp]LASLGAPDEY

ClinVar aggregate classification (germline): Likely pathogenic. Review status: reviewed by expert panel (3 of 4 stars). 2 submissions from 2 submitters: Likely pathogenic (1). 1 of the submissions does not count toward it. Last evaluated 2022-06-12.

Conditions:
Phenylketonuria (PKU). Also called: Phenylketonurias; FOLLING DISEASE; Phenylketonuria (PKU); OLIGOPHRENIA PHENYLPYRUVICA. Identifiers: Orphanet 716, MedGen C0031485, MONDO:0009861, OMIM 261600. Disease mechanism: loss of function.

Submissions (2):

ClinGen PAH Variant Curation Expert Panel
Classification: Likely pathogenic for Phenylketonuria. Last evaluated: 2022-06-12. Review status: reviewed by expert panel. Criteria: ClinGen PAH ACMG Specifications v1. Collection method: curation. Allele origin: germline. Inheritance: Autosomal recessive inheritance.
Comment: The NM_000277.3:c.920G>A (p.Gly307Asp) variant is a missense variant in exon 9/13 of PAH. BH4 deficiency was excluded by analysis of urinary pterins and dihydropteridine reductase activity in erythrocytes (PMID: 26322415) (PP4_Moderate). The variant is absent from ethnically diverse control databases, including gnomAD/ExAC, 1000 Genomes, and ESP (PM2). The variant is predicted damaging by multiple in-silico missense predictors, including REVEL (REVEL score 0.983) (PP3). Classification: Likely Pathogenic Supporting Criteria: PM3; PM2; PP4_Moderate; PP3

Labcorp Genetics (formerly Invitae), Labcorp
Classification: Pathogenic for Phenylketonuria. Last evaluated: 2024-06-16. Review status: criteria provided, single submitter. Criteria: Invitae Variant Classification Sherloc (09022015). Collection method: clinical testing. Allele origin: germline. Not counted in ClinVar's aggregate classification.
Comment: This sequence change replaces glycine, which is neutral and non-polar, with aspartic acid, which is acidic and polar, at codon 307 of the PAH protein (p.Gly307Asp). This variant is not present in population databases (gnomAD no frequency). This missense change has been observed in individuals with PAH-related disease (PMID: 24350308, 32668217). ClinVar contains an entry for this variant (Variation ID: 1693235). Advanced modeling of protein sequence and biophysical properties (such as structural, functional, and spatial information, amino acid conservation, physicochemical variation, residue mobility, and thermodynamic stability) performed at Invitae indicates that this missense variant is expected to disrupt PAH protein function with a positive predictive value of 80%. This variant disrupts the p.Gly307 amino acid residue in PAH. Other variant(s) that disrupt this residue have been determined to be pathogenic (PMID: 32668217). This suggests that this residue is clinically significant, and that variants that disrupt this residue are likely to be disease-causing. For these reasons, this variant has been classified as Pathogenic.

Literature cited by the submitters: PubMed 24350308 (cited by ClinGen PAH Variant Curation Expert Panel and Labcorp Genetics (formerly Invitae), Labcorp); PubMed 26322415 (cited by ClinGen PAH Variant Curation Expert Panel); PubMed 32668217 (cited by Labcorp Genetics (formerly Invitae), Labcorp).